The following is an entry in ClinVar:

NM_024642.5(GALNT12):c.148C>A (p.Pro50Thr)

Gene: GALNT12 (polypeptide N-acetylgalactosaminyltransferase 12; plus strand). Cytogenetic location: 9q22.33.
Variant type: single nucleotide variant.
Coding change: c.148C>A on transcript NM_024642.5 (MANE Select); coding-DNA position 148, C replaced by A.
Protein change: p.Pro50Thr; replaces proline 50 with threonine.
Molecular consequence: missense variant.
Genome position (GRCh38, 1-based): chr9:98,807,846, C>A. VCF-style: chr9-98807846-C-A. GRCh37 (hg19) VCF-style: chr9-101570128-C-A.
Other names: short protein forms P50T.
Identifiers: ClinVar variation 1449473 (VCV001449473.10), dbSNP rs1292953164, ClinGen allele CA374222406.

ClinVar aggregate classification (germline): Conflicting classifications of pathogenicity. Review status: criteria provided, conflicting classifications (1 of 4 stars). 2 submissions from 2 submitters: Uncertain significance (1); Likely benign (1). Last evaluated 2024-05-13.

Allele frequency attached by ClinVar (database versions not stated): TOPMed 0.00001.
gnomAD v4.1: 1 of 1,006,360 alleles (0.000099%); highest among the groups gnomAD compares: African/African-American, 0.0017%; no homozygotes.

Submissions (2):

Labcorp Genetics (formerly Invitae), Labcorp
Classification: Uncertain significance. Last evaluated: 2024-05-13. Review status: criteria provided, single submitter. Criteria: Invitae Variant Classification Sherloc (09022015). Collection method: clinical testing. Allele origin: germline.
Comment: This sequence change replaces proline, which is neutral and non-polar, with threonine, which is neutral and polar, at codon 50 of the GALNT12 protein (p.Pro50Thr). The frequency data for this variant in the population databases is considered unreliable, as metrics indicate insufficient coverage at this position in the gnomAD database. This variant has not been reported in the literature in individuals affected with GALNT12-related conditions. ClinVar contains an entry for this variant (Variation ID: 1449473). Experimental studies and prediction algorithms are not available or were not evaluated, and the functional significance of this variant is currently unknown. In summary, the available evidence is currently insufficient to determine the role of this variant in disease. Therefore, it has been classified as a Variant of Uncertain Significance.

Ambry Genetics
Classification: Likely benign. Last evaluated: 2024-03-26. Review status: criteria provided, single submitter. Criteria: Ambry Variant Classification Scheme 2023. Collection method: clinical testing. Allele origin: germline.